The following is an entry in ClinVar:

ClinVar aggregate classification (germline): Conflicting classifications of pathogenicity. Review status: criteria provided, conflicting classifications (1 of 4 stars). 4 submissions from 4 submitters: Uncertain significance (1); Likely benign (3). Last evaluated 2025-04-06.

Conditions:
Holt-Oram syndrome (HOS). Also called: Ventriculo-radial syndrome; Cardiac-limb syndrome; Heart-hand syndrome, type 1; TBX5-Related Holt-Oram Syndrome. Identifiers: Orphanet 392, MedGen C0265264, MONDO:0007732, OMIM 142900.
TBX5-related disorder. Also called: TBX5-related condition.
Aortic valve disease 2 (AOVD2). Identifiers: MedGen C3542024, MONDO:0013902, OMIM 614823.
Cardiovascular phenotype. Identifiers: MedGen CN230736.

Allele frequency attached by ClinVar (database versions not stated): gnomAD exomes 0.00002 and 0.00003; ExAC 0.00003; gnomAD 0.00007; TOPMed 0.00009.
gnomAD v4.1: 44 of 1,613,918 alleles (0.0027%); highest among the groups gnomAD compares: African/African-American, 0.023%; no homozygotes.

Submissions (4):

PreventionGenetics, part of Exact Sciences
Classification: Likely benign for TBX5-related condition. Last evaluated: 2025-04-06. Review status: criteria provided, single submitter. Criteria: ACMG Guidelines, 2015. Collection method: clinical testing. Allele origin: germline.
Comment: This variant is classified as likely benign based on ACMG/AMP sequence variant interpretation guidelines (Richards et al. 2015 PMID: 25741868, with internal and published modifications).

Labcorp Genetics (formerly Invitae), Labcorp
Classification: Likely benign for Aortic valve disease 2. Last evaluated: 2024-11-05. Review status: criteria provided, single submitter. Criteria: Invitae Variant Classification Sherloc (09022015). Collection method: clinical testing. Allele origin: germline.

Ambry Genetics
Classification: Likely benign for Cardiovascular phenotype. Last evaluated: 2019-08-24. Review status: criteria provided, single submitter. Criteria: Ambry Variant Classification Scheme 2023. Collection method: clinical testing. Allele origin: germline.

Illumina Laboratory Services, Illumina
Classification: Uncertain significance for Holt-Oram syndrome. Last evaluated: 2018-01-13. Review status: criteria provided, single submitter. Criteria: ICSL Variant Classification Criteria 13 December 2019. Collection method: clinical testing. Allele origin: germline.

NM_181486.4(TBX5):c.1116G>A (p.Ser372=)

Gene: TBX5 (T-box transcription factor 5; minus strand). Cytogenetic location: 12q24.21.
Variant type: single nucleotide variant.
Coding change: c.1116G>A on transcript NM_181486.4 (MANE Select); coding-DNA position 1116, G replaced by A.
Protein change: p.Ser372=; no amino-acid change (serine 372 retained).
Molecular consequence: synonymous variant.
Genome position (GRCh38, 1-based): chr12:114,355,973, C>T on the plus strand (G>A on the coding strand, the complement: TBX5 is on the minus strand). VCF-style: chr12-114355973-C-T. GRCh37 (hg19) VCF-style: chr12-114793778-C-T.
Other names: c.966G>A, p.Ser322= (NM_080717.4); c.1116G>A, p.Ser372= (NM_000192.3).
Identifiers: ClinVar variation 883629 (VCV000883629.11), dbSNP rs763827720, ClinGen allele CA6809406.